The following is an entry in ClinVar:

ClinVar aggregate classification (germline): Uncertain significance (1 of 4 stars; one submission).

Conditions:
Inborn genetic diseases. Identifiers: MedGen C0950123, MeSH D030342.

Submission:

Ambry Genetics
Classification: Uncertain significance for Inborn genetic diseases. Last evaluated: 2021-06-11. Review status: criteria provided, single submitter. Criteria: Ambry Variant Classification Scheme 2023. Collection method: clinical testing. Allele origin: germline.
Comment: The p.E171K variant (also known as c.511G>A), located in coding exon 5 of the VAPB gene, results from a G to A substitution at nucleotide position 511. The glutamic acid at codon 171 is replaced by lysine, an amino acid with similar properties. This amino acid position is highly conserved in available vertebrate species. In addition, this alteration is predicted to be tolerated by in silico analysis. Since supporting evidence is limited at this time, the clinical significance of this alteration remains unclear.

NM_004738.5(VAPB):c.511G>A (p.Glu171Lys)

Gene: VAPB (VAMP associated protein B and C; plus strand). Cytogenetic location: 20q13.32.
Variant type: single nucleotide variant.
Coding change: c.511G>A on transcript NM_004738.5 (MANE Select); coding-DNA position 511, G replaced by A.
Protein change: p.Glu171Lys; replaces glutamic acid 171 with lysine.
Molecular consequence: missense variant. On other transcripts: non-coding transcript variant (1), intron variant (1).
Genome position (GRCh38, 1-based): chr20:58,441,021, G>A. VCF-style: chr20-58441021-G-A. GRCh37 (hg19) VCF-style: chr20-57016077-G-A.
Other names: c.212-3056G>A (NM_001195677.2); short protein forms E171K.
Identifiers: ClinVar variation 1745465 (VCV001745465.2), dbSNP rs2516066129, ClinGen allele CA409439743.